The following is an entry in ClinVar:

ClinVar aggregate classification (germline): Likely benign. Review status: criteria provided, multiple submitters, no conflicts (2 of 4 stars). 3 submissions from 3 submitters: Likely benign (2). 1 of the submissions does not count toward it. Last evaluated 2025-02-26.

Conditions:
PPP2R5B-related disorder. Also called: PPP2R5B-related condition.

Allele frequency attached by ClinVar (database versions not stated): gnomAD 0.00011; gnomAD exomes 0.00012; ExAC 0.00017; TOPMed 0.00017; ESP Exome Variant Server 0.00031.
gnomAD v4.1: 210 of 1,614,168 alleles (0.013%); highest among the groups gnomAD compares: Middle Eastern, 0.12%; 1 homozygote.

Submissions (3):

Labcorp Genetics (formerly Invitae), Labcorp
Classification: Likely benign. Last evaluated: 2025-02-26. Review status: criteria provided, single submitter. Criteria: Invitae Variant Classification Sherloc (09022015). Collection method: clinical testing. Allele origin: germline.

CeGaT Center for Human Genetics Tuebingen
Classification: Likely benign. Last evaluated: 2023-04-01. Review status: criteria provided, single submitter. Criteria: CeGaT Center For Human Genetics Tuebingen Variant Classification Criteria Version 2. Collection method: clinical testing. Allele origin: germline. Affected: yes. Observed: 1 variant allele.
Comment: PPP2R5B: BP4, BP7

PreventionGenetics, part of Exact Sciences
Classification: Likely benign for PPP2R5B-related condition. Last evaluated: 2019-02-21. Review status: no assertion criteria provided. Collection method: clinical testing. Allele origin: germline. Not counted in ClinVar's aggregate classification.
Comment: This variant is classified as likely benign based on ACMG/AMP sequence variant interpretation guidelines (Richards et al. 2015 PMID: 25741868, with internal and published modifications).

NM_006244.4(PPP2R5B):c.225G>A (p.Glu75=)

Gene: PPP2R5B (protein phosphatase 2 regulatory subunit B'beta; plus strand). Cytogenetic location: 11q13.1.
Variant type: single nucleotide variant.
Coding change: c.225G>A on transcript NM_006244.4 (MANE Select); coding-DNA position 225, G replaced by A.
Protein change: p.Glu75=; no amino-acid change (glutamic acid 75 retained).
Molecular consequence: synonymous variant.
Genome position (GRCh38, 1-based): chr11:64,926,737, G>A. VCF-style: chr11-64926737-G-A. GRCh37 (hg19) VCF-style: chr11-64694209-G-A.
Other names: c.225G>A (NM_006244.3).
Identifiers: ClinVar variation 2641941 (VCV002641941.26), dbSNP rs140140368, ClinGen allele CA6086769.